The following is an entry in ClinVar:

ClinVar aggregate classification (germline): Uncertain significance (1 of 4 stars; one submission).

Conditions:
Birt-Hogg-Dube syndrome. Also called: Birt Hogg Dubé syndrome. Identifiers: Orphanet 122, MedGen C0346010, MONDO:0800444.

Submission:

Labcorp Genetics (formerly Invitae), Labcorp
Classification: Uncertain significance for Birt-Hogg-Dube syndrome. Last evaluated: 2024-07-15. Review status: criteria provided, single submitter. Criteria: Invitae Variant Classification Sherloc (09022015). Collection method: clinical testing. Allele origin: germline.
Comment: This sequence change replaces phenylalanine, which is neutral and non-polar, with cysteine, which is neutral and slightly polar, at codon 465 of the FLCN protein (p.Phe465Cys). This variant is not present in population databases (gnomAD no frequency). This variant has not been reported in the literature in individuals affected with FLCN-related conditions. Advanced modeling of protein sequence and biophysical properties (such as structural, functional, and spatial information, amino acid conservation, physicochemical variation, residue mobility, and thermodynamic stability) performed at Invitae indicates that this missense variant is not expected to disrupt FLCN protein function with a negative predictive value of 80%. In summary, the available evidence is currently insufficient to determine the role of this variant in disease. Therefore, it has been classified as a Variant of Uncertain Significance.

NM_144997.7(FLCN):c.1394T>G (p.Phe465Cys)

Gene: FLCN (folliculin; minus strand). Cytogenetic location: 17p11.2.
Variant type: single nucleotide variant.
Coding change: c.1394T>G on transcript NM_144997.7 (MANE Select); coding-DNA position 1394, T replaced by G.
Protein change: p.Phe465Cys; replaces phenylalanine 465 with cysteine.
Molecular consequence: missense variant.
Genome position (GRCh38, 1-based): chr17:17,215,223, A>C on the plus strand (T>G on the coding strand, the complement: FLCN is on the minus strand). VCF-style: chr17-17215223-A-C. GRCh37 (hg19) VCF-style: chr17-17118537-A-C.
Other names: c.1448T>G, p.Phe483Cys (NM_001353229.2); c.1394T>G, p.Phe465Cys (NM_001353230.2, NM_001353231.2); short protein forms F483C, F465C.
Identifiers: ClinVar variation 3659511 (VCV003659511.2).